The following is an entry in ClinVar:

NM_003470.3(USP7):c.662C>T (p.Ala221Val)

Gene: USP7 (ubiquitin specific peptidase 7; minus strand). Cytogenetic location: 16p13.2.
Variant type: single nucleotide variant.
Coding change: c.662C>T on transcript NM_003470.3 (MANE Select); coding-DNA position 662, C replaced by T.
Protein change: p.Ala221Val; replaces alanine 221 with valine.
Molecular consequence: missense variant. On other transcripts: non-coding transcript variant (1).
Genome position (GRCh38, 1-based): chr16:8,919,089, G>A on the plus strand (C>T on the coding strand, the complement: USP7 is on the minus strand). VCF-style: chr16-8919089-G-A. GRCh37 (hg19) VCF-style: chr16-9012946-G-A.
Other names: c.614C>T, p.Ala205Val (NM_001286457.2); c.365C>T, p.Ala122Val (NM_001286458.2); c.488C>T, p.Ala163Val (NM_001321858.2); c.662C>T (NM_003470.2); short protein forms A122V, A163V, A205V, A221V.
Identifiers: ClinVar variation 1315948 (VCV001315948.3), dbSNP rs2141207701, ClinGen allele CA394704309.

ClinVar aggregate classification (germline): Uncertain significance (1 of 4 stars; one submission).

Submission:

GeneDx
Classification: Uncertain significance. Last evaluated: 2024-06-13. Review status: criteria provided, single submitter. Criteria: GeneDx Variant Classification Process June 2021. Collection method: clinical testing. Allele origin: germline. Affected: yes.
Comment: Not observed at significant frequency in large population cohorts (gnomAD); In silico analysis supports that this missense variant has a deleterious effect on protein structure/function; Has not been previously published as pathogenic or benign to our knowledge